The following is an entry in ClinVar:

ClinVar aggregate classification (germline): Uncertain significance. Review status: criteria provided, multiple submitters, no conflicts (2 of 4 stars). 12 submissions from 12 submitters: Uncertain significance (11). 1 of the submissions does not count toward it. Last evaluated 2025-12-12.

Conditions:
Cystic fibrosis (CF). Also called: MUCOVISCIDOSIS. Identifiers: Orphanet 586, MedGen C0010674, MONDO:0009061, OMIM 219700. Disease mechanism: loss of function.
CFTR-related disorder (CFTR-RD). Also called: CFTR-related disorders; CFTR-related condition. Identifiers: MedGen C5924204, MONDO:7770004.

Allele frequency attached by ClinVar (database versions not stated): ExAC 0.00002; gnomAD exomes 0.00005 and 0.00014; gnomAD 0.00009; TOPMed 0.00009; ESP Exome Variant Server 0.00015.
gnomAD v4.1: 218 of 1,611,968 alleles (0.014%); highest among the groups gnomAD compares: Non-Finnish European, 0.017%; no homozygotes.

Submissions (12):

Women's Health and Genetics/Laboratory Corporation of America, LabCorp
Classification: Uncertain significance. Last evaluated: 2025-12-12. Review status: criteria provided, single submitter. Criteria: LabCorp Variant Classification Summary - May 2015. Collection method: clinical testing. Allele origin: germline.
Comment: Variant summary: CFTR c.1454G>C (p.Ser485Thr) results in a conservative amino acid change in the encoded protein sequence. Algorithms developed to predict the effect of missense changes on protein structure and function are either unavailable or do not agree on the potential impact of this missense change. The variant allele was found at a frequency of 5.2e-05 in 251332 control chromosomes. This frequency is not significantly higher than estimated for disease-causing variants in CFTR, allowing no conclusion about variant significance. c.1454G>C has been observed in an individual affected with pancreatic cancer and an individual with pancreatitis (Tamura _2018, Shik Mun _2019). These report(s) do not provide unequivocal conclusions about association of the variant with CFTR-related conditions. To our knowledge, no experimental evidence demonstrating an impact on protein function has been reported. The following publications have been ascertained in the context of this evaluation (PMID: 31311920, 29669919). ClinVar contains an entry for this variant (Variation ID: 358731). Based on the evidence outlined above, the variant was classified as uncertain significance.

GeneDx
Classification: Uncertain significance. Last evaluated: 2025-10-09. Review status: criteria provided, single submitter. Criteria: GeneDx Variant Classification Process June 2021. Collection method: clinical testing. Allele origin: germline.
Comment: Identified as a single heterozygous variant in an individual with pancreatitis (PMID: 31311920); In silico analysis suggests that this missense variant does not alter protein structure/function; This variant is associated with the following publications: (PMID: 29669919, 31311920)

Ambry Genetics
Classification: Uncertain significance for Cystic fibrosis. Last evaluated: 2025-02-25. Review status: criteria provided, single submitter. Criteria: Ambry Variant Classification Scheme 2023. Collection method: clinical testing. Allele origin: germline.
Comment: The p.S485T variant (also known as c.1454G>C), located in coding exon 11 of the CFTR gene, results from a G to C substitution at nucleotide position 1454. The serine at codon 485 is replaced by threonine, an amino acid with similar properties. This amino acid position is highly conserved in available vertebrate species. In addition, the in silico prediction for this alteration is inconclusive. Based on the available evidence, the clinical significance of this variant remains unclear.

ARUP Laboratories, Molecular Genetics and Genomics, ARUP Laboratories
Classification: Uncertain significance. Last evaluated: 2024-12-30. Review status: criteria provided, single submitter. Criteria: ARUP Molecular Germline Variant Investigation Process 2024. Collection method: clinical testing. Allele origin: germline.
Comment: The CFTR c.1454G>C; p.Ser485Thr variant (rs143980575, ClinVar Variation ID: 358731) is reported in individuals with pancreatitis or pancreatic cancer (Shik Mun 2019, Tamura 2018) and in an individual with a suspected diagnosis of cystic fibrosis (see link). A different variant at this codon, p.Ser485Cys, is reported in the literature in an individual with congenital bilateral absence of vas deferens who also carries the pathogenic mild 5T allele (Li 2012). The p.Ser485Thr variant is found predominantly in the non-Finnish European population with an allele frequency of 0.01% (13/129090 alleles) in the Genome Aggregation Database (v2.1.1). Computational analyses predict that this variant is deleterious (REVEL: 0.719). Due to limited information, the clinical significance of this variant is uncertain at this time. References: Link to SickKids database: Li H et al. Mutations in the cystic fibrosis transmembrane conductance regulator (CFTR) in Chinese patients with congenital bilateral absence of vas deferens. J Cyst Fibros. 2012 Jul;11(4):316-23. PMID: 22483971. Shik Mun K et al. Patient-derived pancreas-on-a-chip to model cystic fibrosis-related disorders. Nat Commun. 2019 Jul 16;10(1):3124. PMID: 31311920. Tamura K et al. Mutations in the pancreatic secretory enzymes CPA1 and CPB1 are associated with pancreatic cancer. Proc Natl Acad Sci U S A. 2018 May 1;115(18):4767-4772. PMID: 29669919.

Blueprint Genetics
Classification: Uncertain significance. Last evaluated: 2024-10-30. Review status: criteria provided, single submitter. Criteria: ACMG Guidelines, 2015. Collection method: clinical testing. Allele origin: germline.

Labcorp Genetics (formerly Invitae), Labcorp
Classification: Uncertain significance for Cystic fibrosis. Last evaluated: 2024-10-29. Review status: criteria provided, single submitter. Criteria: Invitae Variant Classification Sherloc (09022015). Collection method: clinical testing. Allele origin: germline.
Comment: This sequence change replaces serine, which is neutral and polar, with threonine, which is neutral and polar, at codon 485 of the CFTR protein (p.Ser485Thr). This variant is present in population databases (rs143980575, gnomAD 0.009%). This missense change has been observed in individual(s) with chronic pancreatitis (PMID: 31311920). ClinVar contains an entry for this variant (Variation ID: 358731). Invitae Evidence Modeling of protein sequence and biophysical properties (such as structural, functional, and spatial information, amino acid conservation, physicochemical variation, residue mobility, and thermodynamic stability) indicates that this missense variant is expected to disrupt CFTR protein function with a positive predictive value of 80%. In summary, the available evidence is currently insufficient to determine the role of this variant in disease. Therefore, it has been classified as a Variant of Uncertain Significance.

Quest Diagnostics Nichols Institute San Juan Capistrano
Classification: Uncertain significance. Last evaluated: 2024-10-23. Review status: criteria provided, single submitter. Criteria: Quest Diagnostics criteria. Collection method: clinical testing. Allele origin: unknown.
Comment: The CFTR c.1454G>C (p.Ser485Thr) variant has been reported in the published literature in an individual with pancreatitis (PMID: 31311920 (2019)), as well as in an individual with pancreatic cancer (PMID: 29669919 (2018)). The frequency of this variant in the general population, 0.00024 (12/50762 chromosomes (Genome Aggregation Database)), is uninformative in the assessment of its pathogenicity. Analysis of this variant using bioinformatics tools for the prediction of the effect of amino acid changes on protein structure and function yielded predictions that this variant is damaging. Based on the available information, we are unable to determine the clinical significance of this variant.

Mayo Clinic Laboratories, Mayo Clinic
Classification: Uncertain significance. Last evaluated: 2023-06-22. Review status: criteria provided, single submitter. Criteria: ACMG Guidelines, 2015. Collection method: clinical testing. Allele origin: germline. Observed: 1 variant allele.
Comment: PM2

Genome-Nilou Lab
Classification: Uncertain significance for Cystic fibrosis. Last evaluated: 2021-09-05. Review status: criteria provided, single submitter. Criteria: ACMG Guidelines, 2015. Collection method: clinical testing. Allele origin: germline. Affected: no.

Illumina Laboratory Services, Illumina
Classification: Uncertain significance for CFTR-Related Disorders. Last evaluated: 2018-01-13. Review status: criteria provided, single submitter. Criteria: ICSL Variant Classification Criteria 13 December 2019. Collection method: clinical testing. Allele origin: germline.

Eurofins Ntd Llc (ga)
Classification: Uncertain significance. Last evaluated: 2016-11-22. Review status: criteria provided, single submitter. Criteria: EGL Classification Definitions 2015. Collection method: clinical testing. Allele origin: germline. Observed: 2 variant alleles, 2 heterozygotes.

Natera, Inc.
Classification: Uncertain significance for Cystic Fibrosis. Last evaluated: 2020-09-16. Review status: no assertion criteria provided. Collection method: clinical testing. Allele origin: germline. Not counted in ClinVar's aggregate classification.

Literature cited by the submitters: PubMed 29669919 (cited by 3 submitters); PubMed 31311920 (cited by 4 submitters); PubMed 25735457 (cited by Quest Diagnostics Nichols Institute San Juan Capistrano and Mayo Clinic Laboratories, Mayo Clinic).

NM_000492.4(CFTR):c.1454G>C (p.Ser485Thr)

Genes: CFTR (CF transmembrane conductance regulator; plus strand), CFTR-AS1 (CFTR antisense RNA 1; minus strand). Cytogenetic location: 7q31.2.
Variant type: single nucleotide variant.
Coding change: c.1454G>C on transcript NM_000492.4 (MANE Select); coding-DNA position 1454, G replaced by C.
Protein change: p.Ser485Thr; replaces serine 485 with threonine.
Molecular consequence: missense variant.
Genome position (GRCh38, 1-based): chr7:117,559,525, G>C. VCF-style: chr7-117559525-G-C. GRCh37 (hg19) VCF-style: chr7-117199579-G-C.
Other names: p.Ser485Thr; short protein forms S485T.
Identifiers: ClinVar variation 358731 (VCV000358731.38), dbSNP rs143980575, ClinGen allele CA4451006.